The following is an entry in ClinVar:

ClinVar aggregate classification (germline): Uncertain significance. Review status: criteria provided, multiple submitters, no conflicts (2 of 4 stars). 2 submissions from 2 submitters: Uncertain significance (2). Last evaluated 2025-08-18.

Conditions:
Inborn genetic diseases. Identifiers: MedGen C0950123, MeSH D030342.
Compton-North congenital myopathy (CMYO12). Identifiers: Orphanet 210163, MedGen C2675527, MONDO:0012929, OMIM 612540.

Allele frequency attached by ClinVar (database versions not stated): ExAC 0.00001; gnomAD 0.00001; gnomAD exomes 0.00001; TOPMed 0.00001.
gnomAD v4.1: 11 of 1,613,878 alleles (0.00068%); highest among the groups gnomAD compares: Non-Finnish European, 0.00093%; no homozygotes.

Submissions (2):

Labcorp Genetics (formerly Invitae), Labcorp
Classification: Uncertain significance for Compton-North congenital myopathy. Last evaluated: 2025-08-18. Review status: criteria provided, single submitter. Criteria: Invitae Variant Classification Sherloc (09022015). Collection method: clinical testing. Allele origin: germline.
Comment: This sequence change replaces leucine, which is neutral and non-polar, with phenylalanine, which is neutral and non-polar, at codon 622 of the CNTN1 protein (p.Leu622Phe). This variant is present in population databases (rs755364145, gnomAD 0.002%). This variant has not been reported in the literature in individuals affected with CNTN1-related conditions. ClinVar contains an entry for this variant (Variation ID: 970349). Invitae Evidence Modeling of protein sequence and biophysical properties (such as structural, functional, and spatial information, amino acid conservation, physicochemical variation, residue mobility, and thermodynamic stability) indicates that this missense variant is not expected to disrupt CNTN1 protein function with a negative predictive value of 95%. In summary, the available evidence is currently insufficient to determine the role of this variant in disease. Therefore, it has been classified as a Variant of Uncertain Significance.

Ambry Genetics
Classification: Uncertain significance for Inborn genetic diseases. Last evaluated: 2023-04-25. Review status: criteria provided, single submitter. Criteria: Ambry Variant Classification Scheme 2023. Collection method: clinical testing. Allele origin: germline.

NM_001843.4(CNTN1):c.1864C>T (p.Leu622Phe)

Gene: CNTN1 (contactin 1; plus strand). Cytogenetic location: 12q12.
Variant type: single nucleotide variant.
Coding change: c.1864C>T on transcript NM_001843.4 (MANE Select); coding-DNA position 1864, C replaced by T.
Protein change: p.Leu622Phe; replaces leucine 622 with phenylalanine.
Molecular consequence: missense variant.
Genome position (GRCh38, 1-based): chr12:40,980,968, C>T. VCF-style: chr12-40980968-C-T. GRCh37 (hg19) VCF-style: chr12-41374770-C-T.
Other names: c.1864C>T (NM_001843.2); c.1831C>T, p.Leu611Phe (NM_175038.2); short protein forms L611F, L622F.
Identifiers: ClinVar variation 970349 (VCV000970349.10), dbSNP rs755364145, ClinGen allele CA6516998.